The following is an entry in ClinVar:

ClinVar aggregate classification (germline): Benign (1 of 4 stars; one submission).

Allele frequency attached by ClinVar (database versions not stated): TOPMed 0.51455; gnomAD exomes 0.58142; 1000 Genomes Project 0.58586; gnomAD 0.51453 and 0.52393; 1000 Genomes Project 30x 0.58011.

Submission:

GeneDx
Classification: Benign. Last evaluated: 2018-06-19. Review status: criteria provided, single submitter. Criteria: GeneDx Variant Classification (06012015). Collection method: clinical testing. Allele origin: germline. Affected: yes.
Comment: This variant is considered likely benign or benign based on one or more of the following criteria: it is a conservative change, it occurs at a poorly conserved position in the protein, it is predicted to be benign by multiple in silico algorithms, and/or has population frequency not consistent with disease.

NM_013334.3(GMPPB):c.-446G>A

Genes: GMPPB (GDP-mannose pyrophosphorylase B; minus strand), LOC129936765 (ATAC-STARR-seq lymphoblastoid silent region 14372; plus strand). Cytogenetic location: 3p21.31.
Variant type: single nucleotide variant.
Coding change: c.-446G>A on transcript NM_013334.3; 446 bases upstream of the start codon, G replaced by A.
Genome position (GRCh38, 1-based): chr3:49,724,172, C>T on the plus strand (G>A on the coding strand, the complement: GMPPB is on the minus strand). VCF-style: chr3-49724172-C-T. GRCh37 (hg19) VCF-style: chr3-49761605-C-T.
Identifiers: ClinVar variation 668902 (VCV000668902.3), dbSNP rs3811696, ClinGen allele CA11499591.
Genomic context (GRCh38, chr3:49,724,172, plus strand): 5'-GACCCGCGGGTCAGCTGGCCATTGGCGGATCCAAAGGCGGAACTGGCGCCAAGGGCGAGG[C>T]CTTGTTCCCTGCTTCGCCGCGGTCCAGCAGCCGCCGGCCCCGCCCCACGGCCCCGGCCTC-3'